The following is an entry in ClinVar:

ClinVar aggregate classification (germline): Uncertain significance (1 of 4 stars; one submission).

Conditions:
Congenital hyperammonemia, type I. Also called: CPS I DEFICIENCY; Carbamoyl phosphate synthetase 1 deficiency; Hyperammonemia due to carbamoyl phosphate synthetase 1 deficiency; CPS 1 deficiency; Carbamyl phosphate synthetase (CPS) deficiency; Carbamoyl phosphate synthetase I deficiency disease. Identifiers: Orphanet 147, MedGen C4082171, MONDO:0009376, OMIM 237300.

Submission:

Labcorp Genetics (formerly Invitae), Labcorp
Classification: Uncertain significance for Congenital hyperammonemia, type I. Last evaluated: 2023-09-21. Review status: criteria provided, single submitter. Criteria: Invitae Variant Classification Sherloc (09022015). Collection method: clinical testing. Allele origin: germline.
Comment: This missense change has been observed in individual(s) with clinical features of carbamoyl phosphate synthetase I deficiency (Invitae). This sequence change replaces glycine, which is neutral and non-polar, with aspartic acid, which is acidic and polar, at codon 1077 of the CPS1 protein (p.Gly1077Asp). This variant is not present in population databases (gnomAD no frequency). Advanced modeling of protein sequence and biophysical properties (such as structural, functional, and spatial information, amino acid conservation, physicochemical variation, residue mobility, and thermodynamic stability) performed at Invitae indicates that this missense variant is expected to disrupt CPS1 protein function. In summary, the available evidence is currently insufficient to determine the role of this variant in disease. Therefore, it has been classified as a Variant of Uncertain Significance.

NM_001875.5(CPS1):c.3230G>A (p.Gly1077Asp)

Gene: CPS1 (carbamoyl-phosphate synthase 1; plus strand). Cytogenetic location: 2q34.
Variant type: single nucleotide variant.
Coding change: c.3230G>A on transcript NM_001875.5 (MANE Select); coding-DNA position 3230, G replaced by A.
Protein change: p.Gly1077Asp; replaces glycine 1077 with aspartic acid.
Molecular consequence: missense variant. On other transcripts: non-coding transcript variant (2).
Genome position (GRCh38, 1-based): chr2:210,647,951, G>A. VCF-style: chr2-210647951-G-A. GRCh37 (hg19) VCF-style: chr2-211512675-G-A.
Other names: c.3230G>A, p.Gly1077Asp (NM_001122633.3, NM_001369257.1); c.3263G>A, p.Gly1088Asp (NM_001369256.1); short protein forms G1088D, G1077D.
Identifiers: ClinVar variation 2881787 (VCV002881787.3), dbSNP rs2105907995, ClinGen allele CA350436012.
Genomic context (GRCh38, chr2:210,647,951, plus strand): 5'-GAGGCCAGATTCCAAACAACCTGGCAGTTCCTCTATACAAGAATGGTGTCAAGATCATGG[G>A]CACAAGCCCCCTGCAGATCGACAGGGCTGAGGATCGCTCCATCTTCTCAGCTGTCTTGGA-3'
Protein context (NP_001866.2, residues 1067-1087): PLYKNGVKIM[Gly1077Asp]TSPLQIDRAE